The following is an entry in ClinVar:

NM_000744.7(CHRNA4):c.1228G>A (p.Val410Ile)

Gene: CHRNA4 (cholinergic receptor nicotinic alpha 4 subunit; minus strand). Cytogenetic location: 20q13.33.
Variant type: single nucleotide variant.
Coding change: c.1228G>A on transcript NM_000744.7 (MANE Select); coding-DNA position 1228, G replaced by A.
Protein change: p.Val410Ile; replaces valine 410 with isoleucine.
Molecular consequence: missense variant. On other transcripts: non-coding transcript variant (1).
Genome position (GRCh38, 1-based): chr20:63,350,183, C>T on the plus strand (G>A on the coding strand, the complement: CHRNA4 is on the minus strand). VCF-style: chr20-63350183-C-T. GRCh37 (hg19) VCF-style: chr20-61981535-C-T.
Other names: p.V410I:GTC>ATC; c.700G>A, p.Val234Ile (NM_001256573.2); short protein forms V410I, V234I.
Identifiers: ClinVar variation 98310 (VCV000098310.49), dbSNP rs121912272, ClinGen allele CA150400.

ClinVar aggregate classification (germline): Benign/Likely benign. Review status: criteria provided, multiple submitters, no conflicts (2 of 4 stars). 5 submissions from 5 submitters: Benign (1); Likely benign (3). 1 of the submissions does not count toward it. Last evaluated 2026-03-01.

Conditions:
Inborn genetic diseases. Identifiers: MedGen C0950123, MeSH D030342.
Familial sleep-related hypermotor epilepsy. Also called: Autosomal Dominant Sleep-Related Hypermotor (Hyperkinetic) Epilepsy. Identifiers: Orphanet 98784, MedGen C3696898, MONDO:0000030.
Tobacco use disorder. Identifiers: MedGen C0040336.

Allele frequency attached by ClinVar (database versions not stated): gnomAD 0.00010; TOPMed 0.00010; gnomAD exomes 0.00011 and 0.00024; ExAC 0.00013.
gnomAD v4.1: 362 of 1,592,564 alleles (0.023%); highest among the groups gnomAD compares: Non-Finnish European, 0.029%; 1 homozygote.

Submissions (5):

CeGaT Center for Human Genetics Tuebingen
Classification: Likely benign. Last evaluated: 2026-03-01. Review status: criteria provided, single submitter. Criteria: CeGaT Center For Human Genetics Tuebingen Variant Classification Criteria Version 2. Collection method: clinical testing. Allele origin: germline. Affected: yes. Observed: 2 variant alleles.
Comment: CHRNA4: BP4, BS1

Ambry Genetics
Classification: Benign for Inborn genetic diseases. Last evaluated: 2024-02-26. Review status: criteria provided, single submitter. Criteria: Ambry Variant Classification Scheme 2023. Collection method: clinical testing. Allele origin: germline.

Labcorp Genetics (formerly Invitae), Labcorp
Classification: Likely benign. Last evaluated: 2023-07-27. Review status: criteria provided, single submitter. Criteria: Invitae Variant Classification Sherloc (09022015). Collection method: clinical testing. Allele origin: germline.

GeneDx
Classification: Likely benign. Last evaluated: 2020-11-10. Review status: criteria provided, single submitter. Criteria: GeneDx Variant Classification Process June 2021. Collection method: clinical testing. Allele origin: germline. Affected: yes.
Comment: This variant is associated with the following publications: (PMID: 21683344)

Psychiatry Genetics Yale University
No classification provided. Review status: no classification provided. Collection method: not provided. Allele origin: somatic. Not counted in ClinVar's aggregate classification.